The following is an entry in ClinVar:

ClinVar aggregate classification (germline): Conflicting classifications of pathogenicity. Review status: criteria provided, conflicting classifications (1 of 4 stars). 5 submissions from 5 submitters: Uncertain significance (1); Benign (2); Likely benign (2). Last evaluated 2026-01-31.

Conditions:
Cardiovascular phenotype. Identifiers: MedGen CN230736.
Duchenne muscular dystrophy (DMD). Also called: Duchenne Muscular Dystrophy (DMD); MUSCULAR DYSTROPHY, PSEUDOHYPERTROPHIC PROGRESSIVE, DUCHENNE TYPE. Identifiers: Orphanet 98896, MedGen C0013264, MONDO:0010679, OMIM 310200.

Allele frequency attached by ClinVar (database versions not stated): gnomAD exomes 0.00001 and 0.00005; ExAC 0.00008; ESP Exome Variant Server 0.00009; gnomAD 0.00012; TOPMed 0.00030.
gnomAD v4.1: 31 of 1,210,027 alleles (0.0026%); highest among the groups gnomAD compares: African/African-American, 0.045%; no homozygotes.

Submissions (5):

Labcorp Genetics (formerly Invitae), Labcorp
Classification: Likely benign for Duchenne muscular dystrophy. Last evaluated: 2026-01-31. Review status: criteria provided, single submitter. Criteria: Invitae Variant Classification Sherloc (09022015). Collection method: clinical testing. Allele origin: germline.

Revvity Omics, Revvity
Classification: Benign. Last evaluated: 2024-01-24. Review status: criteria provided, single submitter. Criteria: ACMG Guidelines, 2015. Collection method: clinical testing. Allele origin: germline.

Ambry Genetics
Classification: Likely benign for Cardiovascular phenotype. Last evaluated: 2021-06-24. Review status: criteria provided, single submitter. Criteria: Ambry Variant Classification Scheme 2023. Collection method: clinical testing. Allele origin: germline.

GeneDx
Classification: Benign. Last evaluated: 2020-10-16. Review status: criteria provided, single submitter. Criteria: GeneDx Variant Classification Process June 2021. Collection method: clinical testing. Allele origin: germline. Affected: yes.
Comment: This variant is associated with the following publications: (PMID: 19937601)

Eurofins Ntd Llc (ga)
Classification: Uncertain significance. Last evaluated: 2015-11-02. Review status: criteria provided, single submitter. Criteria: EGL Classification Definitions 2015. Collection method: clinical testing. Allele origin: germline. Observed: 1 variant allele, 1 heterozygote.

Literature cited by the submitters: PubMed 19937601 (cited by Ambry Genetics).

NM_004006.3(DMD):c.7820A>T (p.Lys2607Met)

Gene: DMD (dystrophin; minus strand). Cytogenetic location: Xp21.1.
Variant type: single nucleotide variant.
Coding change: c.7820A>T on transcript NM_004006.3 (MANE Select); coding-DNA position 7820, A replaced by T.
Protein change: p.Lys2607Met; replaces lysine 2607 with methionine.
Molecular consequence: missense variant.
Genome position (GRCh38, 1-based): chrX:31,679,427, T>A on the plus strand (A>T on the coding strand, the complement: DMD is on the minus strand). VCF-style: chrX-31679427-T-A. GRCh37 (hg19) VCF-style: chrX-31697544-T-A.
Other names: c.7796A>T, p.Lys2599Met (NM_000109.4); c.7808A>T, p.Lys2603Met (NM_004009.3); c.7451A>T, p.Lys2484Met (NM_004010.3); c.3797A>T, p.Lys1266Met (NM_004011.4); c.3788A>T, p.Lys1263Met (NM_004012.4); c.440A>T, p.Lys147Met (NM_004013.3, NM_004020.4, NM_004021.3 and 2 more transcripts); short protein forms K2607M, K1263M, K1266M, K147M, K2484M, K2599M, K2603M.
Identifiers: ClinVar variation 284453 (VCV000284453.25), dbSNP rs72466581, ClinGen allele CA10378209.